The following is an entry in ClinVar:

NM_198565.3(NRROS):c.1465T>C (p.Tyr489His)

Gene: NRROS (negative regulator of reactive oxygen species; plus strand). Cytogenetic location: 3q29.
Variant type: single nucleotide variant.
Coding change: c.1465T>C on transcript NM_198565.3 (MANE Select); coding-DNA position 1465, T replaced by C.
Protein change: p.Tyr489His; replaces tyrosine 489 with histidine.
Molecular consequence: missense variant.
Genome position (GRCh38, 1-based): chr3:196,661,108, T>C. VCF-style: chr3-196661108-T-C. GRCh37 (hg19) VCF-style: chr3-196387979-T-C.
Other names: p.Tyr489His; short protein forms Y489H.
Identifiers: ClinVar variation 2350513 (VCV002350513.3), dbSNP rs749997451, ClinGen allele CA2781924.

ClinVar aggregate classification (germline): Conflicting classifications of pathogenicity. Review status: criteria provided, conflicting classifications (1 of 4 stars). 2 submissions from 2 submitters: Uncertain significance (1); Likely benign (1). Last evaluated 2022-12-19.

Conditions:
Inborn genetic diseases. Identifiers: MedGen C0950123, MeSH D030342.

Allele frequency attached by ClinVar (database versions not stated): gnomAD 0.00005; TOPMed 0.00005; ExAC 0.00006; gnomAD exomes 0.00018.
gnomAD v4.1: 272 of 1,613,734 alleles (0.017%); highest among the groups gnomAD compares: Non-Finnish European, 0.022%; no homozygotes.

Submissions (2):

Ambry Genetics
Classification: Likely benign for Inborn genetic diseases. Last evaluated: 2022-12-19. Review status: criteria provided, single submitter. Criteria: Ambry Variant Classification Scheme 2023. Collection method: clinical testing. Allele origin: germline.

Mayo Clinic Laboratories, Mayo Clinic
Classification: Uncertain significance. Last evaluated: 2022-07-06. Review status: criteria provided, single submitter. Criteria: ACMG Guidelines, 2015. Collection method: clinical testing. Allele origin: germline. Observed: 1 variant allele.
Comment: BP4, PM2